The following is an entry in ClinVar:

ClinVar aggregate classification (germline): Likely benign (0 of 4 stars; one submission).

Conditions:
PRR12-related disorder. Also called: PRR12-related condition.

gnomAD v4.1: 26 of 1,546,378 alleles (0.0017%); highest among the groups gnomAD compares: South Asian, 0.0096%; no homozygotes.

Submission:

PreventionGenetics, part of Exact Sciences
Classification: Likely benign for PRR12-related condition. Last evaluated: 2024-05-14. Review status: no assertion criteria provided. Collection method: clinical testing. Allele origin: germline.
Comment: This variant is classified as likely benign based on ACMG/AMP sequence variant interpretation guidelines (Richards et al. 2015 PMID: 25741868, with internal and published modifications).

NM_020719.3(PRR12):c.1089G>A (p.Thr363=)

Gene: PRR12 (proline rich 12; plus strand). Cytogenetic location: 19q13.33.
Variant type: single nucleotide variant.
Coding change: c.1089G>A on transcript NM_020719.3 (MANE Select); coding-DNA position 1089, G replaced by A.
Protein change: p.Thr363=; no amino-acid change (threonine 363 retained).
Molecular consequence: synonymous variant.
Genome position (GRCh38, 1-based): chr19:49,595,424, G>A. VCF-style: chr19-49595424-G-A. GRCh37 (hg19) VCF-style: chr19-50098681-G-A.
Identifiers: ClinVar variation 3358107 (VCV003358107.1).